The following is an entry in ClinVar:

NM_000359.3(TGM1):c.1031G>C (p.Gly344Ala)

Gene: TGM1 (transglutaminase 1; minus strand). Cytogenetic location: 14q12.
Variant type: single nucleotide variant.
Coding change: c.1031G>C on transcript NM_000359.3 (MANE Select); coding-DNA position 1031, G replaced by C.
Protein change: p.Gly344Ala; replaces glycine 344 with alanine.
Molecular consequence: missense variant.
Genome position (GRCh38, 1-based): chr14:24,259,203, C>G on the plus strand (G>C on the coding strand, the complement: TGM1 is on the minus strand). VCF-style: chr14-24259203-C-G. GRCh37 (hg19) VCF-style: chr14-24728409-C-G.
Other names: short protein forms G344A.
Identifiers: ClinVar variation 1711983 (VCV001711983.2), dbSNP rs2502501924, ClinGen allele CA389265103.

ClinVar aggregate classification (germline): Likely pathogenic (1 of 4 stars; one submission).

Submission:

GeneDx
Classification: Likely pathogenic. Last evaluated: 2022-10-19. Review status: criteria provided, single submitter. Criteria: GeneDx Variant Classification Process June 2021. Collection method: clinical testing. Allele origin: germline. Affected: yes.
Comment: Has not been previously published as pathogenic or benign to our knowledge; Not observed at significant frequency in large population cohorts (gnomAD); In silico analysis supports that this missense variant has a deleterious effect on protein structure/function